The following is an entry in ClinVar:

ClinVar aggregate classification (germline): Uncertain significance. Review status: criteria provided, multiple submitters, no conflicts (2 of 4 stars). 3 submissions from 3 submitters: Uncertain significance (3). Last evaluated 2024-06-17.

Conditions:
Pyridoxine-dependent epilepsy (EPEO4). Also called: Pyridoxine-Dependent Epilepsy - ALDH7A1; EPILEPSY, EARLY-ONSET, 4, VITAMIN B6-DEPENDENT; Pyridoxine-Dependent Seizures; PYRIDOXINE DEPENDENCY WITH SEIZURES. Identifiers: Orphanet 3006, MedGen C1849508, MONDO:0009945, OMIM 266100. Disease mechanism: loss of function.

Allele frequency attached by ClinVar (database versions not stated): gnomAD exomes below 0.00001 and 0.00001; ExAC 0.00001.
gnomAD v4.1: 3 of 1,613,024 alleles (0.00019%); highest among the groups gnomAD compares: South Asian, 0.0011%; no homozygotes.

Submissions (3):

Labcorp Genetics (formerly Invitae), Labcorp
Classification: Uncertain significance for Pyridoxine-dependent epilepsy. Last evaluated: 2024-06-17. Review status: criteria provided, single submitter. Criteria: Invitae Variant Classification Sherloc (09022015). Collection method: clinical testing. Allele origin: germline.
Comment: This sequence change falls in intron 11 of the ALDH7A1 gene. It does not directly change the encoded amino acid sequence of the ALDH7A1 protein. It affects a nucleotide within the consensus splice site. This variant is present in population databases (rs753819188, gnomAD 0.003%). This variant has not been reported in the literature in individuals affected with ALDH7A1-related conditions. ClinVar contains an entry for this variant (Variation ID: 386951). Variants that disrupt the consensus splice site are a relatively common cause of aberrant splicing (PMID: 17576681, 9536098). Algorithms developed to predict the effect of sequence changes on RNA splicing suggest that this variant may disrupt the consensus splice site. In summary, the available evidence is currently insufficient to determine the role of this variant in disease. Therefore, it has been classified as a Variant of Uncertain Significance.

Genome-Nilou Lab
Classification: Uncertain significance for Pyridoxine-dependent epilepsy. Last evaluated: 2023-04-11. Review status: criteria provided, single submitter. Criteria: ACMG Guidelines, 2015. Collection method: clinical testing. Allele origin: germline. Affected: no.

GeneDx
Classification: Uncertain significance. Last evaluated: 2018-02-01. Review status: criteria provided, single submitter. Criteria: GeneDx Variant Classification (06012015). Collection method: clinical testing. Allele origin: germline. Affected: yes.
Comment: The c.1008+4 A>G variant has notbeen published as a pathogenic variant, nor has it been reported as a benign variant to our knowledge. The c.1008+4 A>G variant is not observed at a significant frequency in large population cohorts (Lek et al., 2016). This nucleotide substitution occurs at a position that is conserved in mammals. Several in-silico splice prediction models predict that c.1008+4 A>G damages the natural splice donor site, which may lead to abnormal gene splicing. However, in the absence of RNA/functional studies, the actual effect of this sequence change in this individual is unknown. Therefore, based on the currently available information, it is unclear whether this variant is a pathogenic variant or a rare benign variant.

Literature cited by the submitters: PubMed 17576681 (cited by Labcorp Genetics (formerly Invitae), Labcorp); PubMed 9536098 (cited by Labcorp Genetics (formerly Invitae), Labcorp).

NM_001182.5(ALDH7A1):c.1008+4A>G

Gene: ALDH7A1 (aldehyde dehydrogenase 7 family member A1; minus strand). Cytogenetic location: 5q23.2.
Variant type: single nucleotide variant.
Coding change: c.1008+4A>G on transcript NM_001182.5 (MANE Select); 4 bases into the intron after coding-DNA position 1008, A replaced by G.
Molecular consequence: intron variant.
Genome position (GRCh38, 1-based): chr5:126,559,236, T>C on the plus strand (A>G on the coding strand, the complement: ALDH7A1 is on the minus strand). VCF-style: chr5-126559236-T-C. GRCh37 (hg19) VCF-style: chr5-125894928-T-C.
Other names: c.1008+4A>G (NM_001202404.2); c.924+4A>G (NM_001201377.2).
Identifiers: ClinVar variation 386951 (VCV000386951.7), dbSNP rs753819188, ClinGen allele CA3389570.